The following is an entry in ClinVar:

NM_001852.4(COL9A2):c.1402-17C>G

Gene: COL9A2 (collagen type IX alpha 2 chain; minus strand). Cytogenetic location: 1p34.2.
Variant type: single nucleotide variant.
Coding change: c.1402-17C>G on transcript NM_001852.4 (MANE Select); 17 bases into the intron before coding-DNA position 1402, C replaced by G.
Molecular consequence: intron variant.
Genome position (GRCh38, 1-based): chr1:40,303,693, G>C on the plus strand (C>G on the coding strand, the complement: COL9A2 is on the minus strand). VCF-style: chr1-40303693-G-C. GRCh37 (hg19) VCF-style: chr1-40769365-G-C.
Identifiers: ClinVar variation 2827780 (VCV002827780.3), dbSNP rs1643955245, ClinGen allele CA2739272496.

ClinVar aggregate classification (germline): Uncertain significance (1 of 4 stars; one submission).

Submission:

Labcorp Genetics (formerly Invitae), Labcorp
Classification: Uncertain significance. Last evaluated: 2023-04-11. Review status: criteria provided, single submitter. Criteria: Invitae Variant Classification Sherloc (09022015). Collection method: clinical testing. Allele origin: germline.
Comment: In summary, the available evidence is currently insufficient to determine the role of this variant in disease. Therefore, it has been classified as a Variant of Uncertain Significance. Algorithms developed to predict the effect of sequence changes on RNA splicing suggest that this variant may disrupt the consensus splice site. This variant has not been reported in the literature in individuals affected with COL9A2-related conditions. This variant is not present in population databases (gnomAD no frequency). This sequence change falls in intron 27 of the COL9A2 gene. It does not directly change the encoded amino acid sequence of the COL9A2 protein.